The following is an entry in ClinVar:

ClinVar aggregate classification (germline): Uncertain significance (1 of 4 stars; one submission).

Conditions:
Peroxisome biogenesis disorder. Identifiers: Orphanet 79189, MedGen C1832200, MONDO:0019234. Disease mechanism: loss of function.

Allele frequency attached by ClinVar (database versions not stated): gnomAD exomes below 0.00001; gnomAD 0.00001.
gnomAD v4.1: 5 of 1,613,536 alleles (0.00031%); highest among the groups gnomAD compares: East Asian, 0.0067%; no homozygotes.

Submission:

Labcorp Genetics (formerly Invitae), Labcorp
Classification: Uncertain significance for Peroxisome biogenesis disorder. Last evaluated: 2021-10-06. Review status: criteria provided, single submitter. Criteria: Invitae Variant Classification Sherloc (09022015). Collection method: clinical testing. Allele origin: germline.
Comment: This sequence change replaces threonine with isoleucine at codon 648 of the PEX6 protein (p.Thr648Ile). The threonine residue is weakly conserved and there is a moderate physicochemical difference between threonine and isoleucine. This variant is not present in population databases (ExAC no frequency). This variant has not been reported in the literature in individuals affected with PEX6-related conditions. Algorithms developed to predict the effect of missense changes on protein structure and function (SIFT, PolyPhen-2, Align-GVGD) all suggest that this variant is likely to be tolerated. In summary, the available evidence is currently insufficient to determine the role of this variant in disease. Therefore, it has been classified as a Variant of Uncertain Significance.

NM_000287.4(PEX6):c.1943C>T (p.Thr648Ile)

Gene: PEX6 (peroxisomal biogenesis factor 6; minus strand). Cytogenetic location: 6p21.1.
Variant type: single nucleotide variant.
Coding change: c.1943C>T on transcript NM_000287.4 (MANE Select); coding-DNA position 1943, C replaced by T.
Protein change: p.Thr648Ile; replaces threonine 648 with isoleucine.
Molecular consequence: missense variant. On other transcripts: non-coding transcript variant (1).
Genome position (GRCh38, 1-based): chr6:42,966,800, G>A on the plus strand (C>T on the coding strand, the complement: PEX6 is on the minus strand). VCF-style: chr6-42966800-G-A. GRCh37 (hg19) VCF-style: chr6-42934538-G-A.
Other names: c.1679C>T, p.Thr560Ile (NM_001316313.2); short protein forms T560I, T648I.
Identifiers: ClinVar variation 1410761 (VCV001410761.3), dbSNP rs1439667922, ClinGen allele CA364153095.
Genomic context (GRCh38, chr6:42,966,800, plus strand): 5'-CCATTTCCTCTTTCCGCCTTTCCGGTGCCCACGTCCTCTTACCCTGAGTTCTTGATCCTG[G>A]TGCAGGCTGCCCGGCTGCTGTGGGTCAGAAGGGCATAGAGATCCCCTACCACAAAGCCCT-3'
Protein context (NP_000278.3, residues 638-658): LLTHSSRAAC[Thr648Ile]RIKNSGLAGG